The following is an entry in ClinVar:

ClinVar aggregate classification (germline): Uncertain significance (1 of 4 stars; one submission).

Conditions:
Developmental and epileptic encephalopathy, 23 (DEE23). Also called: Epileptic encephalopathy, early infantile, 23. Identifiers: Orphanet 411986, MedGen C4014492, MONDO:0014371, OMIM 615859.

Submission:

Labcorp Genetics (formerly Invitae), Labcorp
Classification: Uncertain significance for Developmental and epileptic encephalopathy, 23. Last evaluated: 2022-06-08. Review status: criteria provided, single submitter. Criteria: Invitae Variant Classification Sherloc (09022015). Collection method: clinical testing. Allele origin: germline.
Comment: Algorithms developed to predict the effect of missense changes on protein structure and function are either unavailable or do not agree on the potential impact of this missense change (SIFT: "Deleterious"; PolyPhen-2: "Probably Damaging"; Align-GVGD: "Class C0"). This variant has not been reported in the literature in individuals affected with DOCK7-related conditions. This variant is not present in population databases (gnomAD no frequency). This sequence change replaces aspartic acid, which is acidic and polar, with valine, which is neutral and non-polar, at codon 204 of the DOCK7 protein (p.Asp204Val). In summary, the available evidence is currently insufficient to determine the role of this variant in disease. Therefore, it has been classified as a Variant of Uncertain Significance.

NM_001367561.1(DOCK7):c.611A>T (p.Asp204Val)

Gene: DOCK7 (dedicator of cytokinesis 7; minus strand). Cytogenetic location: 1p31.3.
Variant type: single nucleotide variant.
Coding change: c.611A>T on transcript NM_001367561.1 (MANE Select); coding-DNA position 611, A replaced by T.
Protein change: p.Asp204Val; replaces aspartic acid 204 with valine.
Molecular consequence: missense variant.
Genome position (GRCh38, 1-based): chr1:62,648,227, T>A on the plus strand (A>T on the coding strand, the complement: DOCK7 is on the minus strand). VCF-style: chr1-62648227-T-A. GRCh37 (hg19) VCF-style: chr1-63113898-T-A.
Other names: c.611A>T, p.Asp204Val (NM_001271999.2, NM_001272000.2, NM_001272001.2 and 3 more transcripts); short protein forms D204V.
Identifiers: ClinVar variation 2003435 (VCV002003435.4), dbSNP rs772527131, ClinGen allele CA340627719.